The following is an entry in ClinVar:

ClinVar aggregate classification (germline): Uncertain significance (1 of 4 stars; one submission).

Submission:

GeneDx
Classification: Uncertain significance. Last evaluated: 2023-06-01. Review status: criteria provided, single submitter. Criteria: GeneDx Variant Classification Process June 2021. Collection method: clinical testing. Allele origin: germline. Affected: yes.
Comment: Not observed at significant frequency in large population cohorts (gnomAD); In silico analysis supports that this missense variant does not alter protein structure/function; Has not been previously published as pathogenic or benign to our knowledge

NM_007118.4(TRIO):c.7046C>T (p.Pro2349Leu)

Gene: TRIO (trio Rho guanine nucleotide exchange factor; plus strand). Cytogenetic location: 5p15.2.
Variant type: single nucleotide variant.
Coding change: c.7046C>T on transcript NM_007118.4 (MANE Select); coding-DNA position 7046, C replaced by T.
Protein change: p.Pro2349Leu; replaces proline 2349 with leucine.
Molecular consequence: missense variant. On other transcripts: non-coding transcript variant (1).
Genome position (GRCh38, 1-based): chr5:14,487,674, C>T. VCF-style: chr5-14487674-C-T. GRCh37 (hg19) VCF-style: chr5-14487783-C-T.
Other names: short protein forms P2349L.
Identifiers: ClinVar variation 3359334 (VCV003359334.1).